The following is an entry in ClinVar:

NM_006904.7(PRKDC):c.7959A>C (p.Arg2653Ser)

Gene: PRKDC (protein kinase, DNA-activated, catalytic subunit; minus strand). Cytogenetic location: 8q11.21.
Variant type: single nucleotide variant.
Coding change: c.7959A>C on transcript NM_006904.7 (MANE Select); coding-DNA position 7959, A replaced by C.
Protein change: p.Arg2653Ser; replaces arginine 2653 with serine.
Molecular consequence: missense variant.
Genome position (GRCh38, 1-based): chr8:47,834,389, T>G on the plus strand (A>C on the coding strand, the complement: PRKDC is on the minus strand). VCF-style: chr8-47834389-T-G. GRCh37 (hg19) VCF-style: chr8-48746950-T-G.
Other names: c.7959A>C, p.Arg2653Ser (NM_001081640.2); short protein forms R2653S.
Identifiers: ClinVar variation 1761378 (VCV001761378.2), dbSNP rs2154499619, ClinGen allele CA371150043.

ClinVar aggregate classification (germline): Uncertain significance (1 of 4 stars; one submission).

Submission:

Ambry Genetics
Classification: Uncertain significance. Last evaluated: 2022-09-20. Review status: criteria provided, single submitter. Criteria: Ambry Variant Classification Scheme 2023. Collection method: clinical testing. Allele origin: germline.
Comment: The p.R2653S variant (also known as c.7959A>C), located in coding exon 59 of the PRKDC gene, results from an A to C substitution at nucleotide position 7959. The arginine at codon 2653 is replaced by serine, an amino acid with dissimilar properties. This amino acid position is conserved. In addition, this alteration is predicted to be tolerated by in silico analysis. Since supporting evidence is limited at this time, the clinical significance of this alteration remains unclear.